The following is an entry in ClinVar:

NM_005862.3(STAG1):c.2582C>T (p.Ala861Val)

Gene: STAG1 (STAG1 cohesin complex component; minus strand). Cytogenetic location: 3q22.3.
Variant type: single nucleotide variant.
Coding change: c.2582C>T on transcript NM_005862.3 (MANE Select); coding-DNA position 2582, C replaced by T.
Protein change: p.Ala861Val; replaces alanine 861 with valine.
Molecular consequence: missense variant.
Genome position (GRCh38, 1-based): chr3:136,367,046, G>A on the plus strand (C>T on the coding strand, the complement: STAG1 is on the minus strand). VCF-style: chr3-136367046-G-A. GRCh37 (hg19) VCF-style: chr3-136085888-G-A.
Other names: short protein forms A861V.
Identifiers: ClinVar variation 3323046 (VCV003323046.1).

ClinVar aggregate classification (germline): Uncertain significance (1 of 4 stars; one submission).

Conditions:
Inborn genetic diseases. Identifiers: MedGen C0950123, MeSH D030342.

Submission:

Ambry Genetics
Classification: Uncertain significance for Inborn genetic diseases. Last evaluated: 2024-06-10. Review status: criteria provided, single submitter. Criteria: Ambry Variant Classification Scheme 2023. Collection method: clinical testing. Allele origin: germline.
Comment: The c.2582C>T (p.A861V) alteration is located in exon 25 (coding exon 24) of the STAG1 gene. This alteration results from a C to T substitution at nucleotide position 2582, causing the alanine (A) at amino acid position 861 to be replaced by a valine (V). This variant was not reported in population-based cohorts in the Genome Aggregation Database (gnomAD). This amino acid position is highly conserved in available vertebrate species. The in silico prediction for this alteration is inconclusive. Based on insufficient or conflicting evidence, the clinical significance of this alteration remains unclear.